The following is an entry in ClinVar:

NM_014846.4(WASHC5):c.1481C>T (p.Ala494Val)

Gene: WASHC5 (WASH complex subunit 5; minus strand). Cytogenetic location: 8q24.13.
Variant type: single nucleotide variant.
Coding change: c.1481C>T on transcript NM_014846.4 (MANE Select); coding-DNA position 1481, C replaced by T.
Protein change: p.Ala494Val; replaces alanine 494 with valine.
Molecular consequence: missense variant.
Genome position (GRCh38, 1-based): chr8:125,061,122, G>A on the plus strand (C>T on the coding strand, the complement: WASHC5 is on the minus strand). VCF-style: chr8-125061122-G-A. GRCh37 (hg19) VCF-style: chr8-126073364-G-A.
Other names: c.1481C>T (NM_014846.3); c.1037C>T, p.Ala346Val (NM_001330609.2); short protein forms A494V, A346V.
Identifiers: ClinVar variation 1904417 (VCV001904417.6), dbSNP rs372031408, ClinGen allele CA4873814.

ClinVar aggregate classification (germline): Uncertain significance. Review status: criteria provided, multiple submitters, no conflicts (2 of 4 stars). 2 submissions from 2 submitters: Uncertain significance (2). Last evaluated 2024-07-11.

Conditions:
Hereditary spastic paraplegia 8 (SPG8). Also called: SPASTIC PARAPLEGIA 8, AUTOSOMAL DOMINANT. Identifiers: Orphanet 100989, MedGen C1863704, MONDO:0011339, OMIM 603563.
Ritscher-Schinzel syndrome. Also called: CRANIOCEREBELLOCARDIAC DYSPLASIA. Identifiers: Orphanet 7, MedGen C0796137, MONDO:0019078.

Allele frequency attached by ClinVar (database versions not stated): TOPMed 0.00001; ExAC 0.00002; gnomAD 0.00001; ESP Exome Variant Server 0.00008; gnomAD exomes below 0.00001.
gnomAD v4.1: 9 of 1,611,994 alleles (0.00056%); highest among the groups gnomAD compares: East Asian, 0.0022%; no homozygotes.

Submissions (2):

Athena Diagnostics
Classification: Uncertain significance. Last evaluated: 2024-07-11. Review status: criteria provided, single submitter. Criteria: Athena Diagnostics Criteria. Collection method: clinical testing. Allele origin: unknown.
Comment: Available data are insufficient to determine the clinical significance of the variant at this time. The frequency of this variant in the general population is uninformative in assessment of its pathogenicity. Polyphen and MutationTaster predict this amino acid change may be damaging to the protein.

Labcorp Genetics (formerly Invitae), Labcorp
Classification: Uncertain significance for Ritscher-Schinzel syndrome; Hereditary spastic paraplegia 8. Last evaluated: 2024-05-06. Review status: criteria provided, single submitter. Criteria: Invitae Variant Classification Sherloc (09022015). Collection method: clinical testing. Allele origin: germline.
Comment: This sequence change replaces alanine, which is neutral and non-polar, with valine, which is neutral and non-polar, at codon 494 of the WASHC5 protein (p.Ala494Val). The frequency data for this variant in the population databases is considered unreliable, as metrics indicate poor data quality at this position in the gnomAD database. This variant has not been reported in the literature in individuals affected with WASHC5-related conditions. ClinVar contains an entry for this variant (Variation ID: 1904417). Advanced modeling of protein sequence and biophysical properties (such as structural, functional, and spatial information, amino acid conservation, physicochemical variation, residue mobility, and thermodynamic stability) performed at Invitae indicates that this missense variant is not expected to disrupt WASHC5 protein function with a negative predictive value of 80%. In summary, the available evidence is currently insufficient to determine the role of this variant in disease. Therefore, it has been classified as a Variant of Uncertain Significance.